The following is an entry in ClinVar:

NM_000384.3(APOB):c.10372A>G (p.Met3458Val)

Gene: APOB (apolipoprotein B; minus strand). Cytogenetic location: 2p24.1.
Variant type: single nucleotide variant.
Coding change: c.10372A>G on transcript NM_000384.3 (MANE Select); coding-DNA position 10372, A replaced by G.
Protein change: p.Met3458Val; replaces methionine 3458 with valine.
Molecular consequence: missense variant.
Genome position (GRCh38, 1-based): chr2:21,006,496, T>C on the plus strand (A>G on the coding strand, the complement: APOB is on the minus strand). VCF-style: chr2-21006496-T-C. GRCh37 (hg19) VCF-style: chr2-21229368-T-C.
Other names: short protein forms M3458V.
Identifiers: ClinVar variation 3933886 (VCV003933886.2), dbSNP rs752684262.
Genomic context (GRCh38, chr2:21,006,496, plus strand): 5'-CAACTGCTCCTTTAGCGGTAGAGTACAGCATTGAAGAATTGAAATCATACTTAAATTCCA[T>C]GGAGGAAGAGACAGTAGGTTTTGACTTGGTATTTCCATTAAGTTCTTGCTTGAAATTCAT-3'
Protein context (NP_000375.3, residues 3448-3468): TKSKPTVSSS[Met3458Val]EFKYDFNSSM

ClinVar aggregate classification (germline): Uncertain significance (1 of 4 stars; one submission).

Conditions:
Cardiovascular phenotype. Identifiers: MedGen CN230736.

Submission:

Ambry Genetics
Classification: Uncertain significance for Cardiovascular phenotype. Last evaluated: 2025-07-09. Review status: criteria provided, single submitter. Criteria: Ambry Variant Classification Scheme 2023. Collection method: clinical testing. Allele origin: germline.
Comment: The p.M3458V variant (also known as c.10372A>G), located in coding exon 26 of the APOB gene, results from an A to G substitution at nucleotide position 10372. The methionine at codon 3458 is replaced by valine, an amino acid with highly similar properties. This amino acid position is conserved. In addition, this alteration is predicted to be tolerated by in silico analysis. Based on the available evidence, the clinical significance of this variant remains unclear.